The following is an entry in ClinVar:

NM_001128148.3(TFRC):c.1997C>G (p.Thr666Arg)

Gene: TFRC (transferrin receptor; minus strand). Cytogenetic location: 3q29.
Variant type: single nucleotide variant.
Coding change: c.1997C>G on transcript NM_001128148.3 (MANE Select); coding-DNA position 1997, C replaced by G.
Protein change: p.Thr666Arg; replaces threonine 666 with arginine.
Molecular consequence: missense variant.
Genome position (GRCh38, 1-based): chr3:196,053,461, G>C on the plus strand (C>G on the coding strand, the complement: TFRC is on the minus strand). VCF-style: chr3-196053461-G-C. GRCh37 (hg19) VCF-style: chr3-195780332-G-C.
Other names: c.1754C>G, p.Thr585Arg (NM_001313965.2); c.1151C>G, p.Thr384Arg (NM_001313966.2); c.1997C>G, p.Thr666Arg (NM_003234.4); short protein forms T384R, T585R, T666R.
Identifiers: ClinVar variation 1431769 (VCV001431769.8), dbSNP rs778633565, ClinGen allele CA2777748.

ClinVar aggregate classification (germline): Uncertain significance (1 of 4 stars; one submission).

Allele frequency attached by ClinVar (database versions not stated): ExAC 0.00001; gnomAD exomes 0.00001; gnomAD 0.00002; TOPMed 0.00003.
gnomAD v4.1: 6 of 1,614,042 alleles (0.00037%); highest among the groups gnomAD compares: African/African-American, 0.008%; no homozygotes.

Submission:

Labcorp Genetics (formerly Invitae), Labcorp
Classification: Uncertain significance. Last evaluated: 2022-08-15. Review status: criteria provided, single submitter. Criteria: Invitae Variant Classification Sherloc (09022015). Collection method: clinical testing. Allele origin: germline.
Comment: This sequence change replaces threonine, which is neutral and polar, with arginine, which is basic and polar, at codon 666 of the TFRC protein (p.Thr666Arg). ClinVar contains an entry for this variant (Variation ID: 1431769). Algorithms developed to predict the effect of missense changes on protein structure and function output the following: SIFT: "Tolerated"; PolyPhen-2: "Benign"; Align-GVGD: "Class C0". The arginine amino acid residue is found in multiple mammalian species, which suggests that this missense change does not adversely affect protein function. In summary, the available evidence is currently insufficient to determine the role of this variant in disease. Therefore, it has been classified as a Variant of Uncertain Significance. This variant has not been reported in the literature in individuals affected with TFRC-related conditions. This variant is present in population databases (rs778633565, gnomAD 0.02%).